The following is an entry in ClinVar:

ClinVar aggregate classification (germline): Uncertain significance (1 of 4 stars; one submission).

Conditions:
Idiopathic generalized epilepsy. Also called: Generalised epilepsy; EIG. Identifiers: MedGen C0270850, MONDO:0005579, OMIM 600669.
Hyperaldosteronism, familial, type IV (HALD4). Also called: FH IV; ALDOSTERONISM, PRIMARY, AND HYPERTENSION. Identifiers: Orphanet 642671, MedGen C4310756, MONDO:0014875, OMIM 617027.

Submission:

Labcorp Genetics (formerly Invitae), Labcorp
Classification: Uncertain significance for Idiopathic generalized epilepsy; Hyperaldosteronism, familial, type IV. Last evaluated: 2025-02-24. Review status: criteria provided, single submitter. Criteria: Invitae Variant Classification Sherloc (09022015). Collection method: clinical testing. Allele origin: germline.
Comment: This sequence change replaces leucine, which is neutral and non-polar, with valine, which is neutral and non-polar, at codon 230 of the CACNA1H protein (p.Leu230Val). This variant is not present in population databases (gnomAD no frequency). This variant has not been reported in the literature in individuals affected with CACNA1H-related conditions. Invitae Evidence Modeling of protein sequence and biophysical properties (such as structural, functional, and spatial information, amino acid conservation, physicochemical variation, residue mobility, and thermodynamic stability) indicates that this missense variant is expected to disrupt CACNA1H protein function with a positive predictive value of 80%. In summary, the available evidence is currently insufficient to determine the role of this variant in disease. Therefore, it has been classified as a Variant of Uncertain Significance.

NM_021098.3(CACNA1H):c.688C>G (p.Leu230Val)

Gene: CACNA1H (calcium voltage-gated channel subunit alpha1 H; plus strand). Cytogenetic location: 16p13.3.
Variant type: single nucleotide variant.
Coding change: c.688C>G on transcript NM_021098.3 (MANE Select); coding-DNA position 688, C replaced by G.
Protein change: p.Leu230Val; replaces leucine 230 with valine.
Molecular consequence: missense variant.
Genome position (GRCh38, 1-based): chr16:1,198,659, C>G. VCF-style: chr16-1198659-C-G. GRCh37 (hg19) VCF-style: chr16-1248659-C-G.
Other names: c.688C>G, p.Leu230Val (NM_001005407.2); short protein forms L230V.
Identifiers: ClinVar variation 3753177 (VCV003753177.2).